The following is an entry in ClinVar:

ClinVar aggregate classification (germline): Uncertain significance (1 of 4 stars; one submission).

Allele frequency attached by ClinVar (database versions not stated): TOPMed below 0.00001; ExAC 0.00001; gnomAD 0.00001.

Submission:

Labcorp Genetics (formerly Invitae), Labcorp
Classification: Uncertain significance. Last evaluated: 2022-06-23. Review status: criteria provided, single submitter. Criteria: Invitae Variant Classification Sherloc (09022015). Collection method: clinical testing. Allele origin: germline.
Comment: In summary, the available evidence is currently insufficient to determine the role of this variant in disease. Therefore, it has been classified as a Variant of Uncertain Significance. Algorithms developed to predict the effect of missense changes on protein structure and function are either unavailable or do not agree on the potential impact of this missense change (SIFT: "Tolerated"; PolyPhen-2: "Probably Damaging"; Align-GVGD: "Class C0"). This variant has not been reported in the literature in individuals affected with PLEKHM2-related conditions. This variant is present in population databases (rs755528015, gnomAD 0.007%). This sequence change replaces serine, which is neutral and polar, with glycine, which is neutral and non-polar, at codon 1005 of the PLEKHM2 protein (p.Ser1005Gly).

NM_015164.4(PLEKHM2):c.3013A>G (p.Ser1005Gly)

Gene: PLEKHM2 (pleckstrin homology and RUN domain containing M2; plus strand). Cytogenetic location: 1p36.21.
Variant type: single nucleotide variant.
Coding change: c.3013A>G on transcript NM_015164.4 (MANE Select); coding-DNA position 3013, A replaced by G.
Protein change: p.Ser1005Gly; replaces serine 1005 with glycine.
Molecular consequence: missense variant.
Genome position (GRCh38, 1-based): chr1:15,733,887, A>G. VCF-style: chr1-15733887-A-G. GRCh37 (hg19) VCF-style: chr1-16060382-A-G.
Other names: c.2953A>G, p.Ser985Gly (NM_001410755.1); short protein forms S1005G, S985G.
Identifiers: ClinVar variation 2049727 (VCV002049727.4), dbSNP rs755528015, ClinGen allele CA617427.